The following is an entry in ClinVar:

NM_001386888.1(AFDN):c.891C>T (p.Ile297=)

Gene: AFDN (afadin, adherens junction formation factor; plus strand). Cytogenetic location: 6q27.
Variant type: single nucleotide variant.
Coding change: c.891C>T on transcript NM_001386888.1 (MANE Select); coding-DNA position 891, C replaced by T.
Protein change: p.Ile297=; no amino-acid change (isoleucine 297 retained).
Molecular consequence: synonymous variant.
Genome position (GRCh38, 1-based): chr6:167,880,511, C>T. VCF-style: chr6-167880511-C-T. GRCh37 (hg19) VCF-style: chr6-168281191-C-T.
Other names: c.891C>T, p.Ile297= (NM_001040000.3, NM_001366319.2, NM_001366320.2 and 1 more transcripts); c.888C>T, p.Ile296= (NM_001207008.2); c.768C>T, p.Ile256= (NM_001291964.2); c.894C>T, p.Ile298= (NM_001366321.2).
Identifiers: ClinVar variation 2657133 (VCV002657133.24), dbSNP rs369829441, ClinGen allele CA4098722.

ClinVar aggregate classification (germline): Likely benign (1 of 4 stars; one submission).

Allele frequency attached by ClinVar (database versions not stated): gnomAD 0.00010; TOPMed 0.00011; ExAC 0.00004; ESP Exome Variant Server 0.00008.

Submission:

CeGaT Center for Human Genetics Tuebingen
Classification: Likely benign. Last evaluated: 2022-09-01. Review status: criteria provided, single submitter. Criteria: CeGaT Center For Human Genetics Tuebingen Variant Classification Criteria Version 2. Collection method: clinical testing. Allele origin: germline. Affected: yes. Observed: 1 variant allele.
Comment: AFDN: BP4, BP7